The following is an entry in ClinVar:

NM_001242908.2(RSPO1):c.553G>T (p.Gly185Trp)

Gene: RSPO1 (R-spondin 1; minus strand). Cytogenetic location: 1p34.3.
Variant type: single nucleotide variant.
Coding change: c.553G>T on transcript NM_001242908.2 (MANE Select); coding-DNA position 553, G replaced by T.
Protein change: p.Gly185Trp; replaces glycine 185 with tryptophan.
Molecular consequence: missense variant. On other transcripts: intron variant (1).
Genome position (GRCh38, 1-based): chr1:37,613,776, C>A on the plus strand (G>T on the coding strand, the complement: RSPO1 is on the minus strand). VCF-style: chr1-37613776-C-A. GRCh37 (hg19) VCF-style: chr1-38079448-C-A.
Other names: c.553G>T, p.Gly185Trp (NM_001038633.4); c.472G>T, p.Gly158Trp (NM_001242909.2); c.436+408G>T (NM_001242910.2); short protein forms G158W, G185W.
Identifiers: ClinVar variation 798169 (VCV000798169.9), dbSNP rs368673186, ClinGen allele CA772590.

ClinVar aggregate classification (germline): Likely benign. Review status: criteria provided, multiple submitters, no conflicts (2 of 4 stars). 2 submissions from 2 submitters: Likely benign (2). Last evaluated 2025-05-11.

Conditions:
RSPO1-related disorder. Also called: RSPO1-related condition.

Allele frequency attached by ClinVar (database versions not stated): gnomAD exomes 0.00003 and 0.00016; gnomAD 0.00005; TOPMed 0.00011; ExAC 0.00014.
gnomAD v4.1: 64 of 1,614,048 alleles (0.004%); highest among the groups gnomAD compares: East Asian, 0.098%; no homozygotes.

Submissions (2):

PreventionGenetics, part of Exact Sciences
Classification: Likely benign for RSPO1-related condition. Last evaluated: 2025-05-11. Review status: criteria provided, single submitter. Criteria: ACMG Guidelines, 2015. Collection method: clinical testing. Allele origin: germline.
Comment: This variant is classified as likely benign based on ACMG/AMP sequence variant interpretation guidelines (Richards et al. 2015 PMID: 25741868, with internal and published modifications).

Labcorp Genetics (formerly Invitae), Labcorp
Classification: Likely benign. Last evaluated: 2025-02-13. Review status: criteria provided, single submitter. Criteria: Invitae Variant Classification Sherloc (09022015). Collection method: clinical testing. Allele origin: germline.